The following is an entry in ClinVar:

ClinVar aggregate classification (germline): Benign/Likely benign. Review status: criteria provided, multiple submitters, no conflicts (2 of 4 stars). 3 submissions from 3 submitters: Benign (1); Likely benign (2). Last evaluated 2026-04-17.

Conditions:
DICER1-related tumor predisposition. Also called: DICER1-related pleuropulmonary blastoma cancer predisposition syndrome; DICER1 syndrome. Identifiers: Orphanet 284343, MedGen C3839822, MONDO:0100216.
Hereditary cancer-predisposing syndrome. Also called: Neoplastic Syndromes, Hereditary; Hereditary Cancer Syndrome; Hereditary neoplastic syndrome; Tumor predisposition. Identifiers: Orphanet 140162, MedGen C0027672, MeSH D009386, MONDO:0015356.

Allele frequency attached by ClinVar (database versions not stated): gnomAD exomes 0.00002; TOPMed below 0.00001; gnomAD 0.00001.
gnomAD v4.1: 26 of 1,613,400 alleles (0.0016%); highest among the groups gnomAD compares: Non-Finnish European, 0.0021%; no homozygotes.

Submissions (3):

Myriad Genetics, Inc.
Classification: Benign for DICER1-related tumor predisposition. Last evaluated: 2026-04-17. Review status: criteria provided, single submitter. Criteria: Myriad Autosomal Dominant, Autosomal Recessive and X-Linked Classification Criteria (2023). Collection method: clinical testing. Allele origin: unknown.
Comment: This variant is considered benign. This variant is a silent/synonymous amino acid change and it is not expected to impact splicing.

Labcorp Genetics (formerly Invitae), Labcorp
Classification: Likely benign for DICER1-related tumor predisposition. Last evaluated: 2026-01-11. Review status: criteria provided, single submitter. Criteria: Invitae Variant Classification Sherloc (09022015). Collection method: clinical testing. Allele origin: germline.

Ambry Genetics
Classification: Likely benign for Hereditary cancer-predisposing syndrome. Last evaluated: 2021-06-24. Review status: criteria provided, single submitter. Criteria: Ambry Variant Classification Scheme 2023. Collection method: clinical testing. Allele origin: germline.

NM_177438.3(DICER1):c.3291G>A (p.Gly1097=)

Gene: DICER1 (dicer 1, ribonuclease III; minus strand). Cytogenetic location: 14q32.13.
Variant type: single nucleotide variant.
Coding change: c.3291G>A on transcript NM_177438.3 (MANE Select); coding-DNA position 3291, G replaced by A.
Protein change: p.Gly1097=; no amino-acid change (glycine 1097 retained).
Molecular consequence: synonymous variant.
Genome position (GRCh38, 1-based): chr14:95,104,105, C>T on the plus strand (G>A on the coding strand, the complement: DICER1 is on the minus strand). VCF-style: chr14-95104105-C-T. GRCh37 (hg19) VCF-style: chr14-95570442-C-T.
Other names: c.3291G>A, p.Gly1097= (NM_001195573.1, NM_001271282.3, NM_001291628.2 and 1 more transcripts).
Identifiers: ClinVar variation 543699 (VCV000543699.16), dbSNP rs774991525, ClinGen allele CA265906370.